The following is an entry in ClinVar:

ClinVar aggregate classification (germline): Uncertain significance (1 of 4 stars; one submission).

Conditions:
Kabuki syndrome 1 (KABUK1). Also called: KMT2D-Related Kabuki Syndrome. Identifiers: Orphanet 2322, MedGen CN030661, MONDO:0007843, OMIM 147920.

Submission:

3billion
Classification: Uncertain significance for Kabuki syndrome 1. Last evaluated: 2024-11-13. Review status: criteria provided, single submitter. Criteria: ACMG Guidelines, 2015. Collection method: clinical testing. Allele origin: germline. Affected: yes.
Comment: The variant is not observed in the gnomAD v4.1.0 dataset. Predicted Consequence/Location: Intron variant In silico tools predict the variant to alter splicing and produce an abnormal transcript [SpliceAI: 0.65 (>=0.2, moderate evidence for spliceogenicity)]. Therefore, this variant is classified as VUS according to the recommendation of ACMG/AMP guideline.

NM_003482.4(KMT2D):c.10356-46C>G

Gene: KMT2D (lysine methyltransferase 2D; minus strand). Cytogenetic location: 12q13.12.
Variant type: single nucleotide variant.
Coding change: c.10356-46C>G on transcript NM_003482.4 (MANE Select); 46 bases into the intron before coding-DNA position 10356, C replaced by G.
Molecular consequence: intron variant.
Genome position (GRCh38, 1-based): chr12:49,034,712, G>C on the plus strand (C>G on the coding strand, the complement: KMT2D is on the minus strand). VCF-style: chr12-49034712-G-C. GRCh37 (hg19) VCF-style: chr12-49428495-G-C.
Identifiers: ClinVar variation 4293167 (VCV004293167.1).